The following is an entry in ClinVar:

NM_006031.6(PCNT):c.9579C>G (p.Phe3193Leu)

Gene: PCNT (pericentrin; plus strand). Cytogenetic location: 21q22.3.
Variant type: single nucleotide variant.
Coding change: c.9579C>G on transcript NM_006031.6 (MANE Select); coding-DNA position 9579, C replaced by G.
Protein change: p.Phe3193Leu; replaces phenylalanine 3193 with leucine.
Molecular consequence: missense variant.
Genome position (GRCh38, 1-based): chr21:46,441,040, C>G. VCF-style: chr21-46441040-C-G. GRCh37 (hg19) VCF-style: chr21-47860953-C-G.
Other names: c.8988C>G, p.Phe2996Leu (NM_001315529.2); short protein forms F3193L, F2996L.
Identifiers: ClinVar variation 4627128 (VCV004627128.2).

ClinVar aggregate classification (germline): Uncertain significance. Review status: criteria provided, multiple submitters, no conflicts (2 of 4 stars). 2 submissions from 2 submitters: Uncertain significance (2). Last evaluated 2025-09-25.

Conditions:
Inborn genetic diseases. Identifiers: MedGen C0950123, MeSH D030342.
PCNT-related disorder. Also called: PCNT-related condition.

gnomAD v4.1: 1 of 1,614,098 alleles (0.000062%); highest among the groups gnomAD compares: African/African-American, 0.0013%; no homozygotes.

Submissions (2):

Ambry Genetics
Classification: Uncertain significance for Inborn genetic diseases. Last evaluated: 2025-09-25. Review status: criteria provided, single submitter. Criteria: Ambry Variant Classification Scheme 2023. Collection method: clinical testing. Allele origin: germline.

PreventionGenetics, part of Exact Sciences
Classification: Uncertain significance for PCNT-related condition. Last evaluated: 2024-10-07. Review status: criteria provided, single submitter. Criteria: ACMG Guidelines, 2015. Collection method: clinical testing. Allele origin: germline.
Comment: The PCNT c.9579C>G variant is predicted to result in the amino acid substitution p.Phe3193Leu. To our knowledge, this variant has not been reported in the literature or in a large population database (gnomAD), indicating this variant is rare. At this time, the clinical significance of this variant is uncertain due to the absence of conclusive functional and genetic evidence.